The following is an entry in ClinVar:

ClinVar aggregate classification (germline): Uncertain significance. Review status: criteria provided, single submitter (1 of 4 stars). 2 submissions from 2 submitters: Uncertain significance (1). 1 of the submissions does not count toward it. Last evaluated 2025-09-13.

Conditions:
Peutz-Jeghers syndrome (PJS). Also called: POLYPOSIS, HAMARTOMATOUS INTESTINAL; POLYPS-AND-SPOTS SYNDROME; Peutz-Jeghers polyposis; Periorificial lentiginosis syndrome. Identifiers: Orphanet 2869, MedGen C0031269, MeSH D010580, MONDO:0008280, OMIM 175200.

Submissions (2):

Labcorp Genetics (formerly Invitae), Labcorp
Classification: Uncertain significance for Peutz-Jeghers syndrome. Last evaluated: 2025-09-13. Review status: criteria provided, single submitter. Criteria: Invitae Variant Classification Sherloc (09022015). Collection method: clinical testing. Allele origin: germline.
Comment: This sequence change replaces aspartic acid, which is acidic and polar, with tyrosine, which is neutral and polar, at codon 237 of the STK11 protein (p.Asp237Tyr). This variant is not present in population databases (gnomAD no frequency). This missense change has been observed in individual(s) with clinical features of Peutz-Jeghers syndrome (internal data). ClinVar contains an entry for this variant (Variation ID: 236193). Invitae Evidence Modeling of protein sequence and biophysical properties (such as structural, functional, and spatial information, amino acid conservation, physicochemical variation, residue mobility, and thermodynamic stability) has been performed for this missense variant. However, the output from this modeling did not meet the statistical confidence thresholds required to predict the impact of this variant on STK11 protein function. In summary, the available evidence is currently insufficient to determine the role of this variant in disease. Therefore, it has been classified as a Variant of Uncertain Significance.

Shenzhen Institute of Pediatrics, Shenzhen Children's Hospital
Classification: Likely pathogenic for Peutz-jeghers syndrome. Last evaluated: 2016-05-11. Review status: no assertion criteria provided. Collection method: clinical testing. Allele origin: de novo. Affected: yes. Not counted in ClinVar's aggregate classification.

NM_000455.5(STK11):c.709G>T (p.Asp237Tyr)

Gene: STK11 (serine/threonine kinase 11; plus strand). Cytogenetic location: 19p13.3.
Variant type: single nucleotide variant.
Coding change: c.709G>T on transcript NM_000455.5 (MANE Select); coding-DNA position 709, G replaced by T.
Protein change: p.Asp237Tyr; replaces aspartic acid 237 with tyrosine.
Molecular consequence: missense variant.
Genome position (GRCh38, 1-based): chr19:1,220,692, G>T. VCF-style: chr19-1220692-G-T. GRCh37 (hg19) VCF-style: chr19-1220691-G-T.
Other names: short protein forms D237Y.
Identifiers: ClinVar variation 236193 (VCV000236193.4), dbSNP rs878853247, ClinGen allele CA10581557.
Genomic context (GRCh38, chr19:1,220,692, plus strand): 5'-CCGGCTTTCCAGCCGCCCGAGATTGCCAACGGCCTGGACACCTTCTCCGGCTTCAAGGTG[G>T]ACATCTGGTCGGCTGGGGTCACCCTGTAAGTGCCCCGCCCCCCCGGGCACTCACCACACG-3'
Protein context (NP_000446.1, residues 227-247): GLDTFSGFKV[Asp237Tyr]IWSAGVTLYN